The following is an entry in ClinVar:

NM_000179.3(MSH6):c.1748G>T (p.Arg583Met)

Gene: MSH6 (mutS homolog 6; plus strand). Cytogenetic location: 2p16.3.
Variant type: single nucleotide variant.
Coding change: c.1748G>T on transcript NM_000179.3 (MANE Select); coding-DNA position 1748, G replaced by T.
Protein change: p.Arg583Met; replaces arginine 583 with methionine.
Molecular consequence: missense variant.
Genome position (GRCh38, 1-based): chr2:47,799,731, G>T. VCF-style: chr2-47799731-G-T. GRCh37 (hg19) VCF-style: chr2-48026870-G-T.
Other names: c.1358G>T, p.Arg453Met (NM_001281492.2); c.842G>T, p.Arg281Met (NM_001281493.2, NM_001281494.2, NM_001406811.1 and 6 more transcripts); c.1844G>T, p.Arg615Met (NM_001406795.1, NM_001406802.1); c.1748G>T, p.Arg583Met (NM_001406796.1, NM_001406798.1, NM_001406800.1 and 3 more transcripts); c.1451G>T, p.Arg484Met (NM_001406797.1, NM_001406801.1, NM_001406805.1 and 10 more transcripts); c.1223G>T, p.Arg408Met (NM_001406799.1, NM_001406806.1, NM_001406807.1); c.1670G>T, p.Arg557Met (NM_001406804.1); c.1754G>T, p.Arg585Met (NM_001406813.1); and 1 more; short protein forms R408M, R453M, R557M, R484M, R527M, R281M, R615M, R583M.
Identifiers: ClinVar variation 1779333 (VCV001779333.2), dbSNP rs1421598686, ClinGen allele CA346748920.

ClinVar aggregate classification (germline): Uncertain significance (1 of 4 stars; one submission).

Conditions:
Hereditary cancer-predisposing syndrome. Also called: Neoplastic Syndromes, Hereditary; Tumor predisposition; Hereditary Cancer Syndrome; Hereditary neoplastic syndrome. Identifiers: Orphanet 140162, MedGen C0027672, MeSH D009386, MONDO:0015356.

Submission:

Ambry Genetics
Classification: Uncertain significance for Hereditary cancer-predisposing syndrome. Last evaluated: 2022-06-10. Review status: criteria provided, single submitter. Criteria: Ambry Variant Classification Scheme 2023. Collection method: clinical testing. Allele origin: germline.
Comment: The p.R583M variant (also known as c.1748G>T), located in coding exon 4 of the MSH6 gene, results from a G to T substitution at nucleotide position 1748. The arginine at codon 583 is replaced by methionine, an amino acid with similar properties. This amino acid position is highly conserved in available vertebrate species. In addition, this alteration is predicted to be deleterious by in silico analysis. Since supporting evidence is limited at this time, the clinical significance of this alteration remains unclear.